The following is an entry in ClinVar:

ClinVar aggregate classification (germline): Conflicting classifications of pathogenicity. Review status: criteria provided, conflicting classifications (1 of 4 stars). 4 submissions from 3 submitters: Uncertain significance (1); Likely benign (3). Last evaluated 2025-02-27.

Conditions:
Retinitis pigmentosa (RP). Identifiers: Orphanet 791, MedGen C0035334, MeSH D012174, MONDO:0019200, OMIM 268000. Inheritance: Autosomal dominant, autosomal recessive and X linked inheritance.
Congenital stationary night blindness autosomal dominant 2. Also called: NIGHT BLINDNESS, CONGENITAL STATIONARY, RAMBUSCH TYPE. Identifiers: Orphanet 215, MedGen C1876182, MONDO:0008099, OMIM 163500.

Allele frequency attached by ClinVar (database versions not stated): gnomAD 0.00001; gnomAD exomes 0.00002 and 0.00008; TOPMed 0.00003; ExAC 0.00005; 1000 Genomes Project 0.00020; 1000 Genomes Project 30x 0.00031.
gnomAD v4.1: 31 of 1,602,674 alleles (0.0019%); highest among the groups gnomAD compares: East Asian, 0.036%; no homozygotes.

Submissions (4):

Labcorp Genetics (formerly Invitae), Labcorp
Classification: Likely benign. Last evaluated: 2025-02-27. Review status: criteria provided, single submitter. Criteria: Invitae Variant Classification Sherloc (09022015). Collection method: clinical testing. Allele origin: germline.

Blueprint Genetics
Classification: Likely benign. Last evaluated: 2024-04-10. Review status: criteria provided, single submitter. Criteria: ACMG Guidelines, 2015. Collection method: clinical testing. Allele origin: germline.

Illumina Laboratory Services, Illumina
Classification: Likely benign for Congenital stationary night blindness autosomal dominant 2. Last evaluated: 2018-01-13. Review status: criteria provided, single submitter. Criteria: ICSL Variant Classification Criteria 13 December 2019. Collection method: clinical testing. Allele origin: germline.
Comment: This variant was observed in the ICSL laboratory as part of a predisposition screen in an ostensibly healthy population. It had not been previously curated by ICSL or reported in the Human Gene Mutation Database (HGMD: prior to June 1st, 2018), and was therefore a candidate for classification through an automated scoring system. Utilizing variant allele frequency, disease prevalence and penetrance estimates, and inheritance mode, an automated score was calculated to assess if this variant is too frequent to cause the disease. Based on the score and internal cut-off values, a variant classified as likely benign is not then subjected to further curation. The score for this variant resulted in a classification of likely benign for this disease.

Illumina Laboratory Services, Illumina
Classification: Uncertain significance for Retinitis pigmentosa. Last evaluated: 2018-01-13. Review status: criteria provided, single submitter. Criteria: ICSL Variant Classification Criteria 13 December 2019. Collection method: clinical testing. Allele origin: germline.

NM_000283.4(PDE6B):c.2269-11C>T

Gene: PDE6B (phosphodiesterase 6B; plus strand). Cytogenetic location: 4p16.3.
Variant type: single nucleotide variant.
Coding change: c.2269-11C>T on transcript NM_000283.4 (MANE Select); 11 bases into the intron before coding-DNA position 2269, C replaced by T.
Molecular consequence: intron variant.
Genome position (GRCh38, 1-based): chr4:666,520, C>T. VCF-style: chr4-666520-C-T. GRCh37 (hg19) VCF-style: chr4-660309-C-T.
Other names: c.2269-11C>T (NM_001145291.2); c.1432-11C>T (NM_001379246.1, NM_001379247.1, NM_001145292.2 and 1 more transcripts); c.1114-11C>T (NM_001350155.3).
Identifiers: ClinVar variation 349389 (VCV000349389.13), dbSNP rs370169775, ClinGen allele CA2794987.